The following is an entry in ClinVar:

ClinVar aggregate classification (germline): Benign/Likely benign. Review status: criteria provided, multiple submitters, no conflicts (2 of 4 stars). 2 submissions from 2 submitters: Benign (1); Likely benign (1). Last evaluated 2026-04-27.

Conditions:
Colorectal cancer, susceptibility to, 1. Also called: COLORECTAL ADENOMA AND CANCER, SUSCEPTIBILITY TO; COLORECTAL CANCER, SUSCEPTIBILITY TO, ON CHROMOSOME 9. Identifiers: MedGen C1837315, MONDO:0012132, OMIM 608812.

gnomAD v4.1: 2 of 1,614,164 alleles (0.00012%); highest among the groups gnomAD compares: Non-Finnish European, 0.00017%; no homozygotes.

Submissions (2):

Myriad Genetics, Inc.
Classification: Benign for Colorectal cancer, susceptibility to, 1. Last evaluated: 2026-04-27. Review status: criteria provided, single submitter. Criteria: Myriad Autosomal Dominant, Autosomal Recessive and X-Linked Classification Criteria (2023). Collection method: clinical testing. Allele origin: unknown.
Comment: This variant is considered benign. This variant is a silent/synonymous amino acid change and it is not expected to impact splicing.

Ambry Genetics
Classification: Likely benign. Last evaluated: 2025-03-26. Review status: criteria provided, single submitter. Criteria: Ambry Variant Classification Scheme 2023. Collection method: clinical testing. Allele origin: germline.

NM_024642.5(GALNT12):c.1548T>C (p.Leu516=)

Gene: GALNT12 (polypeptide N-acetylgalactosaminyltransferase 12; plus strand). Cytogenetic location: 9q22.33.
Variant type: single nucleotide variant.
Coding change: c.1548T>C on transcript NM_024642.5 (MANE Select); coding-DNA position 1548, T replaced by C.
Protein change: p.Leu516=; no amino-acid change (leucine 516 retained).
Molecular consequence: synonymous variant.
Genome position (GRCh38, 1-based): chr9:98,846,066, T>C. VCF-style: chr9-98846066-T-C. GRCh37 (hg19) VCF-style: chr9-101608348-T-C.
Identifiers: ClinVar variation 4027998 (VCV004027998.2).
Genomic context (GRCh38, chr9:98,846,066, plus strand): 5'-ACGCTATAACACCCACCAGCCTGAGGGCTGCATTGCTGTGGAAGCAGGAATGGATACCCT[T>C]ATCATGCATCTCTGCGAAGAAACTGCCCCAGAGAATCAGAAGTTCATCTTGCAGGAGGTA-3'
Protein context (NP_078918.3, residues 506-526): CIAVEAGMDT[Leu516=]IMHLCEETAP